The following is an entry in ClinVar:

ClinVar aggregate classification (germline): Uncertain significance (1 of 4 stars; one submission).

Conditions:
Vitamin B2 deficiency. Identifiers: MedGen C0035528.

Allele frequency attached by ClinVar (database versions not stated): gnomAD 0.00001; gnomAD exomes 0.00001 and 0.00003; ExAC 0.00002; TOPMed 0.00005.

Submission:

Labcorp Genetics (formerly Invitae), Labcorp
Classification: Uncertain significance for Vitamin B2 deficiency. Last evaluated: 2025-08-18. Review status: criteria provided, single submitter. Criteria: Invitae Variant Classification Sherloc (09022015). Collection method: clinical testing. Allele origin: germline.
Comment: This sequence change replaces alanine, which is neutral and non-polar, with valine, which is neutral and non-polar, at codon 96 of the SLC52A1 protein (p.Ala96Val). This variant is present in population databases (rs745318099, gnomAD 0.01%). This variant has not been reported in the literature in individuals affected with SLC52A1-related conditions. ClinVar contains an entry for this variant (Variation ID: 946353). Invitae Evidence Modeling of protein sequence and biophysical properties (such as structural, functional, and spatial information, amino acid conservation, physicochemical variation, residue mobility, and thermodynamic stability) indicates that this missense variant is not expected to disrupt SLC52A1 protein function with a negative predictive value of 80%. In summary, the available evidence is currently insufficient to determine the role of this variant in disease. Therefore, it has been classified as a Variant of Uncertain Significance.

NM_017986.4(SLC52A1):c.287C>T (p.Ala96Val)

Gene: SLC52A1 (solute carrier family 52 member 1; minus strand). Cytogenetic location: 17p13.2.
Variant type: single nucleotide variant.
Coding change: c.287C>T on transcript NM_017986.4 (MANE Select); coding-DNA position 287, C replaced by T.
Protein change: p.Ala96Val; replaces alanine 96 with valine.
Molecular consequence: missense variant.
Genome position (GRCh38, 1-based): chr17:5,034,202, G>A on the plus strand (C>T on the coding strand, the complement: SLC52A1 is on the minus strand). VCF-style: chr17-5034202-G-A. GRCh37 (hg19) VCF-style: chr17-4937497-G-A.
Other names: c.287C>T, p.Ala96Val (NM_001104577.2); short protein forms A96V.
Identifiers: ClinVar variation 946353 (VCV000946353.11), dbSNP rs745318099, ClinGen allele CA8319822.
Genomic context (GRCh38, chr17:5,034,202, plus strand): 5'-GTTAGGAAGGCCACAGAGTGGAGCTGCCCTGCCACTGGGGCCACGTGGTGCCACAGAGGG[G>A]CCAGCAGGGCTGTGCCCACTACACTCAGCACCTGTACCACCTGGATGGGGACCTGCTCGC-3'
Protein context (NP_060456.3, residues 86-106): VLSVVGTALL[Ala96Val]PLWHHVAPVA